The following is an entry in ClinVar:

ClinVar aggregate classification (germline): Uncertain significance. Review status: criteria provided, multiple submitters, no conflicts (2 of 4 stars). 2 submissions from 2 submitters: Uncertain significance (2). Last evaluated 2025-12-11.

Conditions:
RAI1-related disorder. Also called: RAI1-related condition.

gnomAD v4.1: 2 of 1,614,050 alleles (0.00012%); highest among the groups gnomAD compares: Admixed American, 0.0017%; no homozygotes.

Submissions (2):

PreventionGenetics, part of Exact Sciences
Classification: Uncertain significance for RAI1-related condition. Last evaluated: 2025-12-11. Review status: criteria provided, single submitter. Criteria: ACMG Guidelines, 2015. Collection method: clinical testing. Allele origin: germline.
Comment: The RAI1 c.4879C>T variant is predicted to result in the amino acid substitution p.Pro1627Ser. To our knowledge, this variant has not been reported in the literature. This variant is reported in 0.0029% of alleles in individuals of Latino descent in gnomAD. At this time, the clinical significance of this variant is uncertain due to the absence of conclusive functional and genetic evidence.

Labcorp Genetics (formerly Invitae), Labcorp
Classification: Uncertain significance. Last evaluated: 2025-01-19. Review status: criteria provided, single submitter. Criteria: Invitae Variant Classification Sherloc (09022015). Collection method: clinical testing. Allele origin: germline.
Comment: This sequence change replaces proline, which is neutral and non-polar, with serine, which is neutral and polar, at codon 1627 of the RAI1 protein (p.Pro1627Ser). This variant is present in population databases (no rsID available, gnomAD 0.003%). This variant has not been reported in the literature in individuals affected with RAI1-related conditions. ClinVar contains an entry for this variant (Variation ID: 1479234). An algorithm developed to predict the effect of missense changes on protein structure and function outputs the following: PolyPhen-2: "Benign". The serine amino acid residue is found in multiple mammalian species, which suggests that this missense change does not adversely affect protein function. In summary, the available evidence is currently insufficient to determine the role of this variant in disease. Therefore, it has been classified as a Variant of Uncertain Significance.

NM_030665.4(RAI1):c.4879C>T (p.Pro1627Ser)

Gene: RAI1 (retinoic acid induced 1; plus strand). Cytogenetic location: 17p11.2.
Variant type: single nucleotide variant.
Coding change: c.4879C>T on transcript NM_030665.4 (MANE Select); coding-DNA position 4879, C replaced by T.
Protein change: p.Pro1627Ser; replaces proline 1627 with serine.
Molecular consequence: missense variant.
Genome position (GRCh38, 1-based): chr17:17,797,827, C>T. VCF-style: chr17-17797827-C-T. GRCh37 (hg19) VCF-style: chr17-17701141-C-T.
Other names: c.4879C>T (NM_030665.3); short protein forms P1627S.
Identifiers: ClinVar variation 1479234 (VCV001479234.10), dbSNP rs770361272, ClinGen allele CA398557867.
Genomic context (GRCh38, chr17:17,797,827, plus strand): 5'-TTCACCACCATATGCACTGTTGTCAACTCCCCTGGAGATGCGCCCAAGCCCCACAGGAAG[C>T]CTTCCTCCTCTGCCTCCTCTTCCTCATCCTCGTCCTCGTTCTCCTTGGATGCAGCCGGGG-3'
Protein context (NP_109590.3, residues 1617-1637): PGDAPKPHRK[Pro1627Ser]SSSASSSSSS